The following is an entry in ClinVar:

ClinVar aggregate classification (germline): Uncertain significance (1 of 4 stars; one submission).

Conditions:
Frontotemporal dementia and/or amyotrophic lateral sclerosis 6 (FTDALS6). Also called: VCP-Related Amyotrophic Lateral Sclerosis; VCP-Related Amyotrophic Lateral Sclerosis/Frontotemporal Dementia. Identifiers: Orphanet 275872, Orphanet 803, MedGen C5436279, MONDO:0013501, OMIM 613954.
Inclusion body myopathy with Paget disease of bone and frontotemporal dementia. Also called: Inclusion body myopathy with early-onset Paget disease and frontotemporal dementia. Identifiers: Orphanet 52430, MedGen C1833662, MONDO:0000507.

Allele frequency attached by ClinVar (database versions not stated): gnomAD exomes below 0.00001.

Submission:

Labcorp Genetics (formerly Invitae), Labcorp
Classification: Uncertain significance for Inclusion body myopathy with Paget disease of bone and frontotemporal dementia; Frontotemporal dementia and/or amyotrophic lateral sclerosis 6. Last evaluated: 2023-05-23. Review status: criteria provided, single submitter. Criteria: Invitae Variant Classification Sherloc (09022015). Collection method: clinical testing. Allele origin: germline.
Comment: In summary, the available evidence is currently insufficient to determine the role of this variant in disease. Therefore, it has been classified as a Variant of Uncertain Significance. Advanced modeling of protein sequence and biophysical properties (such as structural, functional, and spatial information, amino acid conservation, physicochemical variation, residue mobility, and thermodynamic stability) performed at Invitae indicates that this missense variant is not expected to disrupt VCP protein function. ClinVar contains an entry for this variant (Variation ID: 1019616). This variant has not been reported in the literature in individuals affected with VCP-related conditions. This variant is not present in population databases (gnomAD no frequency). This sequence change replaces isoleucine, which is neutral and non-polar, with valine, which is neutral and non-polar, at codon 32 of the VCP protein (p.Ile32Val).

NM_007126.5(VCP):c.94A>G (p.Ile32Val)

Gene: VCP (valosin containing protein; minus strand). Cytogenetic location: 9p13.3.
Variant type: single nucleotide variant.
Coding change: c.94A>G on transcript NM_007126.5 (MANE Select); coding-DNA position 94, A replaced by G.
Protein change: p.Ile32Val; replaces isoleucine 32 with valine.
Molecular consequence: missense variant. On other transcripts: 5 prime UTR variant (2).
Genome position (GRCh38, 1-based): chr9:35,068,286, T>C on the plus strand (A>G on the coding strand, the complement: VCP is on the minus strand). VCF-style: chr9-35068286-T-C. GRCh37 (hg19) VCF-style: chr9-35068283-T-C.
Other names: c.-42A>G (NM_001354927.2, NM_001354928.2); short protein forms I32V.
Identifiers: ClinVar variation 1019616 (VCV001019616.7), dbSNP rs1828872947, ClinGen allele CA373294974.